The following is an entry in ClinVar:

ClinVar aggregate classification (germline): Uncertain significance (1 of 4 stars; one submission).

Conditions:
Left ventricular noncompaction 8 (LVNC8). Identifiers: Orphanet 154, Orphanet 54260, MedGen C3809288, MONDO:0014152, OMIM 615373.

Allele frequency attached by ClinVar (database versions not stated): gnomAD 0.00001; TOPMed 0.00001; gnomAD exomes 0.00002; ExAC 0.00004.
gnomAD v4.1: 29 of 1,613,864 alleles (0.0018%); highest among the groups gnomAD compares: Non-Finnish European, 0.0022%; no homozygotes.

Submission:

Labcorp Genetics (formerly Invitae), Labcorp
Classification: Uncertain significance for Left ventricular noncompaction 8. Last evaluated: 2026-01-07. Review status: criteria provided, single submitter. Criteria: Invitae Variant Classification Sherloc (09022015). Collection method: clinical testing. Allele origin: germline.
Comment: This sequence change replaces serine, which is neutral and polar, with leucine, which is neutral and non-polar, at codon 1059 of the PRDM16 protein (p.Ser1059Leu). This variant is present in population databases (rs774463414, gnomAD 0.005%). This variant has not been reported in the literature in individuals affected with PRDM16-related conditions. ClinVar contains an entry for this variant (Variation ID: 953797). An algorithm developed to predict the effect of missense changes on protein structure and function (PolyPhen-2) suggests that this variant is likely to be disruptive. In summary, the available evidence is currently insufficient to determine the role of this variant in disease. Therefore, it has been classified as a Variant of Uncertain Significance.

NM_022114.4(PRDM16):c.3176C>T (p.Ser1059Leu)

Gene: PRDM16 (PR/SET domain 16; plus strand). Cytogenetic location: 1p36.32.
Variant type: single nucleotide variant.
Coding change: c.3176C>T on transcript NM_022114.4 (MANE Select); coding-DNA position 3176, C replaced by T.
Protein change: p.Ser1059Leu; replaces serine 1059 with leucine.
Molecular consequence: missense variant.
Genome position (GRCh38, 1-based): chr1:3,426,117, C>T. VCF-style: chr1-3426117-C-T. GRCh37 (hg19) VCF-style: chr1-3342681-C-T.
Other names: c.3176C>T, p.Ser1059Leu (NM_199454.3); short protein forms S1059L.
Identifiers: ClinVar variation 953797 (VCV000953797.9), dbSNP rs774463414, ClinGen allele CA544763.
Genomic context (GRCh38, chr1:3,426,117, plus strand): 5'-AGCACCCCGGGGTCCTCACGAACCACCTGGGGACCAGCGCGTCCTCTCCCACCTCAGAGT[C>T]GGACAACCACGCACTTTTAGACGAGAAAGAAGACTCTTATTTCTCGGAAATCAGAAACTT-3'
Protein context (NP_071397.3, residues 1049-1069): GTSASSPTSE[Ser1059Leu]DNHALLDEKE